The following is an entry in ClinVar:

NM_002519.3(NPAT):c.2786G>T (p.Gly929Val)

Gene: NPAT (nuclear protein, coactivator of histone transcription; minus strand). Cytogenetic location: 11q22.3.
Variant type: single nucleotide variant.
Coding change: c.2786G>T on transcript NM_002519.3 (MANE Select); coding-DNA position 2786, G replaced by T.
Protein change: p.Gly929Val; replaces glycine 929 with valine.
Molecular consequence: missense variant.
Genome position (GRCh38, 1-based): chr11:108,170,043, C>A on the plus strand (G>T on the coding strand, the complement: NPAT is on the minus strand). VCF-style: chr11-108170043-C-A. GRCh37 (hg19) VCF-style: chr11-108040770-C-A.
Other names: c.2786G>T, p.Gly929Val (NM_001321307.1); short protein forms G929V.
Identifiers: ClinVar variation 3222555 (VCV003222555.1), dbSNP rs2077936412, ClinGen allele CA382512226.

ClinVar aggregate classification (germline): Uncertain significance (1 of 4 stars; one submission).

Submission:

Ambry Genetics
Classification: Uncertain significance. Last evaluated: 2023-09-23. Review status: criteria provided, single submitter. Criteria: Ambry Variant Classification Scheme 2023. Collection method: clinical testing. Allele origin: germline.
Comment: The p.G929V variant (also known as c.2786G>T) is located in coding exon 14 of the NPAT gene. The glycine at codon 929 is replaced by valine, an amino acid with dissimilar properties. This change occurs in the first base pair of coding exon 14. This amino acid position is conserved. In addition, this alteration is predicted to be deleterious by in silico analysis. Since supporting evidence is limited at this time, the clinical significance of this alteration remains unclear.